The following is an entry in ClinVar:

NM_021922.3(FANCE):c.386C>T (p.Pro129Leu)

Gene: FANCE (FA complementation group E; plus strand). Cytogenetic location: 6p21.31.
Variant type: single nucleotide variant.
Coding change: c.386C>T on transcript NM_021922.3 (MANE Select); coding-DNA position 386, C replaced by T.
Protein change: p.Pro129Leu; replaces proline 129 with leucine.
Molecular consequence: missense variant.
Genome position (GRCh38, 1-based): chr6:35,455,884, C>T. VCF-style: chr6-35455884-C-T. GRCh37 (hg19) VCF-style: chr6-35423661-C-T.
Other names: c.386C>T, p.Pro129Leu (NM_001410876.1); short protein forms P129L.
Identifiers: ClinVar variation 4724255 (VCV004724255.1).

ClinVar aggregate classification (germline): Uncertain significance (1 of 4 stars; one submission).

Conditions:
Fanconi anemia complementation group E (FANCE). Also called: FANCE-Related Fanconi Anemia. Identifiers: Orphanet 84, MedGen C3160739, MONDO:0010953, OMIM 600901.

Submission:

Labcorp Genetics (formerly Invitae), Labcorp
Classification: Uncertain significance for Fanconi anemia complementation group E. Last evaluated: 2025-11-03. Review status: criteria provided, single submitter. Criteria: Invitae Variant Classification Sherloc (09022015). Collection method: clinical testing. Allele origin: germline.
Comment: This sequence change replaces proline, which is neutral and non-polar, with leucine, which is neutral and non-polar, at codon 129 of the FANCE protein (p.Pro129Leu). This variant is not present in population databases (gnomAD no frequency). This variant has not been reported in the literature in individuals affected with FANCE-related conditions. Invitae Evidence Modeling of protein sequence and biophysical properties (such as structural, functional, and spatial information, amino acid conservation, physicochemical variation, residue mobility, and thermodynamic stability) indicates that this missense variant is not expected to disrupt FANCE protein function with a negative predictive value of 80%. In summary, the available evidence is currently insufficient to determine the role of this variant in disease. Therefore, it has been classified as a Variant of Uncertain Significance.